The following is an entry in ClinVar:

NM_000344.4(SMN1):c.835-2A>T

Gene: SMN1 (survival of motor neuron 1, telomeric). Cytogenetic location: 5q13.2.
Variant type: single nucleotide variant.
Coding change: c.835-2A>T on transcript NM_000344.4 (MANE Select); the canonical splice acceptor site of the intron before coding-DNA position 835, A replaced by T.
Molecular consequence: splice acceptor variant. On other transcripts: intron variant (1).
Genome position (GRCh38, 1-based): chr5:70,951,939, A>T. VCF-style: chr5-70951939-A-T. GRCh37 (hg19) VCF-style: chr5-70247766-A-T.
Other names: c.835-500A>T (NM_001297715.1); c.739-2A>T (NM_022874.2).
Identifiers: ClinVar variation 632984 (VCV000632984.1), dbSNP rs141760116, ClinGen allele CA360098079.

ClinVar aggregate classification (germline): Likely pathogenic (1 of 4 stars; one submission).

Conditions:
Spinal muscular atrophy (SMA). Identifiers: MedGen C0026847, MeSH D009134, MONDO:0001516, HP:0007269.

Submission:

Women's Health and Genetics/Laboratory Corporation of America, LabCorp
Classification: Likely pathogenic for Spinal muscular atrophy. Last evaluated: 2018-01-30. Review status: criteria provided, single submitter. Criteria: LabCorp Variant Classification Summary - May 2015. Collection method: clinical testing. Allele origin: germline.
Comment: Variant summary: SMN1 c.835-2A>T is located in a canonical splice-site and is predicted to affect mRNA splicing resulting in a significantly altered protein due to either exon skipping, shortening, or inclusion of intronic material. Several computational tools predict a significant impact on normal splicing: five predict the variant abolishes a 3' acceptor site and strengthens a cryptic 3' acceptor site. However, these predictions have yet to be confirmed by functional studies. The variant was absent in 120422 control chromosomes. c.835-2A>T has been reported in the literature in one individual affected with type I Spinal Muscular Atrophy who also carries a deletion at exons 7 and 8 of SMN1 in heterozygous state. These data do not allow any conclusion about variant significance. To our knowledge, no experimental evidence demonstrating an impact on protein function has been reported. No clinical diagnostic laboratories have submitted clinical-significance assessments for this variant to ClinVar after 2014. Based on the evidence outlined above, the variant was classified as likely pathogenic.

Literature cited by the submitters: PubMed 26606804.